The following is an entry in ClinVar:

NM_007294.4(BRCA1):c.3321A>T (p.Glu1107Asp)

Genes: BRCA1 (BRCA1 DNA repair associated; minus strand), LOC126862571 (BRD4-independent group 4 enhancer GRCh37_chr17:41243136-41244335; plus strand). Cytogenetic location: 17q21.31.
Variant type: single nucleotide variant.
Coding change: c.3321A>T on transcript NM_007294.4 (MANE Select); coding-DNA position 3321, A replaced by T.
Protein change: p.Glu1107Asp; replaces glutamic acid 1107 with aspartic acid.
Molecular consequence: missense variant. On other transcripts: intron variant (137).
Genome position (GRCh38, 1-based): chr17:43,092,210, T>A on the plus strand (A>T on the coding strand, the complement: BRCA1 is on the minus strand). VCF-style: chr17-43092210-T-A. GRCh37 (hg19) VCF-style: chr17-41244227-T-A.
Other names: c.3180A>T, p.Glu1060Asp (NM_001407735.1, NM_001407736.1, NM_001407737.1 and 29 more transcripts); c.3177A>T, p.Glu1059Asp (NM_001407743.1, NM_001407740.1, NM_001407741.1 and 20 more transcripts); c.3198A>T, p.Glu1066Asp (NM_001407668.1, NM_001407669.1, NM_001407674.1 and 19 more transcripts); c.3195A>T, p.Glu1065Asp (NM_001407670.1, NM_001407671.1, NM_001407672.1 and 11 more transcripts); c.3321A>T, p.Glu1107Asp (NM_001407684.1, NM_001407854.1, NM_001407858.1 and 30 more transcripts); c.3108A>T, p.Glu1036Asp (NM_001407853.1, NM_001407894.1, NM_001407895.1 and 9 more transcripts); c.3318A>T, p.Glu1106Asp (NM_001407860.1, NM_001407861.1, NM_001407587.1 and 22 more transcripts); c.3120A>T, p.Glu1040Asp (NM_001407862.1); and 41 more; short protein forms E1018D, E1065D, E1080D, E1081D, E1107D, E939D, E1019D, E1036D.
Identifiers: ClinVar variation 2450677 (VCV002450677.2), dbSNP rs2154329127, ClinGen allele CA10595342.

ClinVar aggregate classification (germline): Uncertain significance (1 of 4 stars; one submission).

Conditions:
Hereditary cancer-predisposing syndrome. Also called: Neoplastic Syndromes, Hereditary; Tumor predisposition; Hereditary neoplastic syndrome; Hereditary Cancer Syndrome. Identifiers: Orphanet 140162, MedGen C0027672, MeSH D009386, MONDO:0015356.

Allele frequency attached by ClinVar (database versions not stated): gnomAD exomes below 0.00001.
gnomAD v4.1: 1 of 1,613,360 alleles (0.000062%); no homozygotes.

Submission:

Ambry Genetics
Classification: Uncertain significance for Hereditary cancer-predisposing syndrome. Last evaluated: 2023-01-30. Review status: criteria provided, single submitter. Criteria: Ambry Variant Classification Scheme 2023. Collection method: clinical testing. Allele origin: germline.
Comment: The p.E1107D variant (also known as c.3321A>T), located in coding exon 9 of the BRCA1 gene, results from an A to T substitution at nucleotide position 3321. The glutamic acid at codon 1107 is replaced by aspartic acid, an amino acid with highly similar properties. This amino acid position is not well conserved in available vertebrate species. In addition, the in silico prediction for this alteration is inconclusive. Since supporting evidence is limited at this time, the clinical significance of this alteration remains unclear.